The following is an entry in ClinVar:

ClinVar aggregate classification (germline): Uncertain significance (1 of 4 stars; one submission).

Conditions:
Chédiak-Higashi syndrome (CHS). Also called: Chediak-Higashi Syndrome. Identifiers: Orphanet 167, MedGen C0007965, MONDO:0008963, OMIM 214500.

Allele frequency attached by ClinVar (database versions not stated): gnomAD exomes 0.00001; TOPMed 0.00001; ExAC 0.00002.
gnomAD v4.1: 6 of 1,613,400 alleles (0.00037%); highest among the groups gnomAD compares: Admixed American, 0.01%; no homozygotes.

Submission:

Labcorp Genetics (formerly Invitae), Labcorp
Classification: Uncertain significance for Chédiak-Higashi syndrome. Last evaluated: 2025-12-06. Review status: criteria provided, single submitter. Criteria: Invitae Variant Classification Sherloc (09022015). Collection method: clinical testing. Allele origin: germline.
Comment: This sequence change replaces histidine, which is basic and polar, with arginine, which is basic and polar, at codon 2386 of the LYST protein (p.His2386Arg). This variant is present in population databases (rs758888571, gnomAD 0.01%). This missense change has been observed in individual(s) with clinical features of LYST-related conditions (PMID: 35960392). ClinVar contains an entry for this variant (Variation ID: 1373803). Invitae Evidence Modeling of protein sequence and biophysical properties (such as structural, functional, and spatial information, amino acid conservation, physicochemical variation, residue mobility, and thermodynamic stability) indicates that this missense variant is not expected to disrupt LYST protein function with a negative predictive value of 80%. In summary, the available evidence is currently insufficient to determine the role of this variant in disease. Therefore, it has been classified as a Variant of Uncertain Significance.

Literature cited by the submitters: PubMed 35960392.

NM_000081.4(LYST):c.7157A>G (p.His2386Arg)

Gene: LYST (lysosomal trafficking regulator; minus strand). Cytogenetic location: 1q42.3.
Variant type: single nucleotide variant.
Coding change: c.7157A>G on transcript NM_000081.4 (MANE Select); coding-DNA position 7157, A replaced by G.
Protein change: p.His2386Arg; replaces histidine 2386 with arginine.
Molecular consequence: missense variant.
Genome position (GRCh38, 1-based): chr1:235,755,550, T>C on the plus strand (A>G on the coding strand, the complement: LYST is on the minus strand). VCF-style: chr1-235755550-T-C. GRCh37 (hg19) VCF-style: chr1-235918850-T-C.
Other names: c.7157A>G, p.His2386Arg (NM_001301365.1); short protein forms H2386R.
Identifiers: ClinVar variation 1373803 (VCV001373803.4), dbSNP rs758888571, ClinGen allele CA1466215.
Genomic context (GRCh38, chr1:235,755,550, plus strand): 5'-CCAATATGTCGACCAAAGAACATTTCGATGAAGCATTCTAACAATTCTTGAGTTCCTCGA[T>C]GAAGATACAACTGGTTGGCTAGCAAGGAAAATCCACGATTCTTCAGAAATTTATCTTTTT-3'
Protein context (NP_000072.2, residues 2376-2396): FSLLANQLYL[His2386Arg]RGTQELLECF